The following is an entry in ClinVar:

NM_000132.4(F8):c.3465dup (p.Ser1156fs)

Gene: F8 (coagulation factor VIII; minus strand). Cytogenetic location: Xq28.
Variant type: Duplication.
Coding change: c.3465dup on transcript NM_000132.4 (MANE Select); coding-DNA position 3465, one base duplicated (A; older notation c.3465dupA).
Protein change: p.Ser1156fs; shifts the reading frame from serine 1156.
Molecular consequence: frameshift variant.
Genome position (GRCh38, 1-based): chrX:154,930,325, T duplicated on the plus strand (A on the coding strand, the reverse complement: F8 is on the minus strand); the first of 5 consecutive T bases (chrX:154,930,325-154,930,329); duplicating any one gives the same sequence. VCF-style (leftmost placement, unchanged base first): chrX-154930324-A-AT. GRCh37 (hg19) VCF-style: chrX-154158599-A-AT.
Other names: c.3465dupA (NM_000132.4); short protein forms S1156fs.
Identifiers: ClinVar variation 3339586 (VCV003339586.1).

ClinVar aggregate classification (germline): Pathogenic (1 of 4 stars; one submission).

Conditions:
Hereditary factor VIII deficiency disease (HEMA). Also called: HEMOPHILIA, CLASSIC; AUTOSOMAL HEMOPHILIA A; Hemophilia A; Hemophilia A, congenital; HEM A; Factor 8 deficiency, congenital. Identifiers: Orphanet 98878, MedGen C0019069, MONDO:0010602, OMIM 306700.

Submission:

Women's Health and Genetics/Laboratory Corporation of America, LabCorp
Classification: Pathogenic for Hereditary factor VIII deficiency disease. Last evaluated: 2024-06-12. Review status: criteria provided, single submitter. Criteria: LabCorp Variant Classification Summary - May 2015. Collection method: clinical testing. Allele origin: germline.
Comment: Variant summary: F8 c.3465dupA (p.Ser1156IlefsX10) results in a premature termination codon, predicted to cause a truncation of the encoded protein or absence of the protein due to nonsense mediated decay, which are commonly known mechanisms for disease. The variant was absent in 182015 control chromosomes. c.3465dupA has been reported in the literature in at least one individual affected with Factor VIII Deficiency (Hemophilia A) (e.g. Santacroce_2015). This suggests the variant is likely to be associated with disease. To our knowledge, no experimental evidence demonstrating an impact on protein function has been reported. The following publication has been ascertained in the context of this evaluation (PMID: 25628142). No submitters have cited clinical-significance assessments for this variant to ClinVar. Based on the evidence outlined above, the variant was classified as pathogenic.

Literature cited by the submitters: PubMed 25628142.